The following is an entry in ClinVar:

ClinVar aggregate classification (germline): Uncertain significance. Review status: criteria provided, multiple submitters, no conflicts (2 of 4 stars). 2 submissions from 2 submitters: Uncertain significance (2). Last evaluated 2025-11-22.

Conditions:
Inborn genetic diseases. Identifiers: MedGen C0950123, MeSH D030342.

Allele frequency attached by ClinVar (database versions not stated): gnomAD exomes 0.00003 and 0.00006; TOPMed 0.00003; ExAC 0.00005.
gnomAD v4.1: 18 of 1,614,154 alleles (0.0011%); highest among the groups gnomAD compares: Admixed American, 0.03%; no homozygotes.

Submissions (2):

Labcorp Genetics (formerly Invitae), Labcorp
Classification: Uncertain significance. Last evaluated: 2025-11-22. Review status: criteria provided, single submitter. Criteria: Invitae Variant Classification Sherloc (09022015). Collection method: clinical testing. Allele origin: germline.
Comment: This sequence change replaces asparagine, which is neutral and polar, with serine, which is neutral and polar, at codon 1143 of the RP1 protein (p.Asn1143Ser). This variant is present in population databases (rs748097421, gnomAD 0.04%). This variant has not been reported in the literature in individuals affected with RP1-related conditions. ClinVar contains an entry for this variant (Variation ID: 1396199). An algorithm developed to predict the effect of missense changes on protein structure and function outputs the following: PolyPhen-2: "Benign". The serine amino acid residue is found in multiple mammalian species, which suggests that this missense change does not adversely affect protein function. In summary, the available evidence is currently insufficient to determine the role of this variant in disease. Therefore, it has been classified as a Variant of Uncertain Significance.

Ambry Genetics
Classification: Uncertain significance for Inborn genetic diseases. Last evaluated: 2025-10-18. Review status: criteria provided, single submitter. Criteria: Ambry Variant Classification Scheme 2023. Collection method: clinical testing. Allele origin: germline.

NM_006269.2(RP1):c.3428A>G (p.Asn1143Ser)

Gene: RP1 (RP1 axonemal microtubule associated; plus strand). Cytogenetic location: 8q12.1.
Variant type: single nucleotide variant.
Coding change: c.3428A>G on transcript NM_006269.2 (MANE Select); coding-DNA position 3428, A replaced by G.
Protein change: p.Asn1143Ser; replaces asparagine 1143 with serine.
Molecular consequence: missense variant. On other transcripts: intron variant (1).
Genome position (GRCh38, 1-based): chr8:54,627,310, A>G. VCF-style: chr8-54627310-A-G. GRCh37 (hg19) VCF-style: chr8-55539870-A-G.
Other names: c.787+5022A>G (NM_001375654.1); c.3428A>G (NM_006269.1); short protein forms N1143S.
Identifiers: ClinVar variation 1396199 (VCV001396199.10), dbSNP rs748097421, ClinGen allele CA4751687.
Genomic context (GRCh38, chr8:54,627,310, plus strand): 5'-ATTCATCCACTAATCTCCTTCTAGCTTGGCTCTTGGTGCTAAACCTAAAGGGAAGTATGA[A>G]TAGCTTCTGTCAAGTTGATGCTCACAAGGCTACCAACAAATCTTCAGAAACACTTGCATT-3'
Protein context (NP_006260.1, residues 1133-1153): LLVLNLKGSM[Asn1143Ser]SFCQVDAHKA